The following is an entry in ClinVar:

NM_014324.6(AMACR):c.1083C>T (p.Arg361=)

Genes: AMACR (alpha-methylacyl-CoA racemase; minus strand), C1QTNF3-AMACR (C1QTNF3-AMACR readthrough (NMD candidate); minus strand). Cytogenetic location: 5p13.2.
Variant type: single nucleotide variant.
Coding change: c.1083C>T on transcript NM_014324.6 (MANE Select); coding-DNA position 1083, C replaced by T.
Protein change: p.Arg361=; no amino-acid change (arginine 361 retained).
Molecular consequence: synonymous variant. On other transcripts: non-coding transcript variant (1), 3 prime UTR variant (1).
Genome position (GRCh38, 1-based): chr5:33,989,159, G>A on the plus strand (C>T on the coding strand, the complement: AMACR is on the minus strand). VCF-style: chr5-33989159-G-A. GRCh37 (hg19) VCF-style: chr5-33989264-G-A.
Other names: c.1083C>T, p.Arg361= (NM_001167595.2); c.*325C>T (NM_203382.3).
Identifiers: ClinVar variation 595442 (VCV000595442.16), dbSNP rs561675407, ClinGen allele CA3225955.
Genomic context (GRCh38, chr5:33,989,159, plus strand): 5'-ACTAGCTTTTACCTTATTACTTTCAATGATTTTATCTGAGTTAAGCTGATAAATCTCTTC[G>A]CGGCTGAATCCAAATTCTTCAAGTATCTCCTCAGTGTGTTCTCCTATGAAAGGATCCCTT-3'
Protein context (NP_055139.4, residues 351-371): EEILEEFGFS[Arg361=]EEIYQLNSDK

ClinVar aggregate classification (germline): Conflicting classifications of pathogenicity. Review status: criteria provided, conflicting classifications (1 of 4 stars). 3 submissions from 3 submitters: Uncertain significance (1); Likely benign (2). Last evaluated 2026-05-15.

Conditions:
AMACR-related disorder. Also called: AMACR-related condition; AMACR-Related Disorders.
Alpha-methylacyl-CoA racemase deficiency (AMACRD). Also called: AMACR deficiency. Identifiers: Orphanet 79095, MedGen C3280428, MONDO:0013681, OMIM 614307. Disease mechanism: loss of function.

Allele frequency attached by ClinVar (database versions not stated): gnomAD 0.00004 and 0.00005; gnomAD exomes 0.00004 and 0.00014; TOPMed 0.00005; ExAC 0.00008; 1000 Genomes Project 0.00020; 1000 Genomes Project 30x 0.00031.
gnomAD v4.1: 63 of 1,614,112 alleles (0.0039%); highest among the groups gnomAD compares: Admixed American, 0.062%; 1 homozygote.

Submissions (3):

PreventionGenetics, part of Exact Sciences
Classification: Likely benign for AMACR-related condition. Last evaluated: 2026-05-15. Review status: criteria provided, single submitter. Criteria: ACMG Guidelines, 2015. Collection method: clinical testing. Allele origin: germline.
Comment: This variant is classified as likely benign based on ACMG/AMP sequence variant interpretation guidelines (Richards et al. 2015 PMID: 25741868, with internal and published modifications).

Labcorp Genetics (formerly Invitae), Labcorp
Classification: Likely benign for Alpha-methylacyl-CoA racemase deficiency. Last evaluated: 2026-01-11. Review status: criteria provided, single submitter. Criteria: Invitae Variant Classification Sherloc (09022015). Collection method: clinical testing. Allele origin: germline.

Eurofins Ntd Llc (ga)
Classification: Uncertain significance. Last evaluated: 2017-12-19. Review status: criteria provided, single submitter. Criteria: EGL Classification Definitions 2015. Collection method: clinical testing. Allele origin: germline. Observed: 1 variant allele, 1 heterozygote.